The following is an entry in ClinVar:

ClinVar aggregate classification (germline): Uncertain significance. Review status: criteria provided, multiple submitters, no conflicts (2 of 4 stars). 2 submissions from 2 submitters: Uncertain significance (2). Last evaluated 2024-03-06.

Conditions:
Catecholaminergic polymorphic ventricular tachycardia 1. Also called: VENTRICULAR TACHYCARDIA, CATECHOLAMINERGIC POLYMORPHIC, 1, WITH OR WITHOUT ATRIAL DYSFUNCTION AND/OR DILATED CARDIOMYOPATHY; RYR2-Related Catecholaminergic Polymorphic Ventricular Tachycardia; VENTRICULAR TACHYCARDIA, STRESS-INDUCED POLYMORPHIC 1. Identifiers: Orphanet 3286, MedGen C1631597, MONDO:0011484, OMIM 604772.
Cardiomyopathy (CMYO). Also called: Cardiomyopathies. Identifiers: Orphanet 167848, MedGen C0878544, MONDO:0004994, HP:0001638. Inheritance: Various modes of inheritance.

Submissions (2):

Color Diagnostics, LLC DBA Color Health
Classification: Uncertain significance for Cardiomyopathy. Last evaluated: 2024-03-06. Review status: criteria provided, single submitter. Criteria: ACMG Guidelines, 2015. Collection method: clinical testing. Allele origin: germline.
Comment: This missense variant replaces glycine with valine at codon 2949 of the RYR2 protein. Computational prediction is inconclusive regarding the impact of this variant on protein structure and function (internally defined REVEL score threshold 0.5 < inconclusive < 0.7, PMID: 27666373). Splice site prediction tools suggest that this variant may not impact RNA splicing. To our knowledge, functional studies have not been performed for this variant. This variant has not been reported in individuals affected with cardiovascular disorders in the literature. This variant has not been identified in the general population by the Genome Aggregation Database (gnomAD). The available evidence is insufficient to determine the role of this variant in disease conclusively. Therefore, this variant is classified as a Variant of Uncertain Significance.

Labcorp Genetics (formerly Invitae), Labcorp
Classification: Uncertain significance for Catecholaminergic polymorphic ventricular tachycardia 1. Last evaluated: 2017-10-05. Review status: criteria provided, single submitter. Criteria: Invitae Variant Classification Sherloc (09022015). Collection method: clinical testing. Allele origin: germline.
Comment: In summary, the available evidence is currently insufficient to determine the role of this variant in disease. Therefore, it has been classified as a Variant of Uncertain Significance. Algorithms developed to predict the effect of missense changes on protein structure and function (SIFT, PolyPhen-2, Align-GVGD) all suggest that this variant is likely to be tolerated, but these predictions have not been confirmed by published functional studies and their clinical significance is uncertain. This variant does not occur within one of the three regions of the RYR2 gene (N-terminal domain, central domain, or channel region) where other pathogenic variants have been reported to cluster (PMID: 19926015) This variant has not been reported in the literature in individuals with RYR2-related disease. This variant is not present in population databases (ExAC no frequency). This sequence change replaces glycine with valine at codon 2949 of the RYR2 protein (p.Gly2949Val). The glycine residue is weakly conserved and there is a moderate physicochemical difference between glycine and valine.

Literature cited by the submitters: PubMed 19926015 (cited by Labcorp Genetics (formerly Invitae), Labcorp).

NM_001035.3(RYR2):c.8846G>T (p.Gly2949Val)

Gene: RYR2 (ryanodine receptor 2; plus strand). Cytogenetic location: 1q43.
Variant type: single nucleotide variant.
Coding change: c.8846G>T on transcript NM_001035.3 (MANE Select); coding-DNA position 8846, G replaced by T.
Protein change: p.Gly2949Val; replaces glycine 2949 with valine.
Molecular consequence: missense variant.
Genome position (GRCh38, 1-based): chr1:237,678,063, G>T. VCF-style: chr1-237678063-G-T. GRCh37 (hg19) VCF-style: chr1-237841363-G-T.
Other names: c.8846G>T, p.Gly2949Val (LRG_402t1); short protein forms G2949V.
Identifiers: ClinVar variation 532328 (VCV000532328.12), dbSNP rs1399706297, ClinGen allele CA345403580.